The following is an entry in ClinVar:

NM_004990.4(MARS1):c.650C>T (p.Thr217Ile)

Gene: MARS1 (methionyl-tRNA synthetase 1; plus strand). Cytogenetic location: 12q13.3.
Variant type: single nucleotide variant.
Coding change: c.650C>T on transcript NM_004990.4 (MANE Select); coding-DNA position 650, C replaced by T.
Protein change: p.Thr217Ile; replaces threonine 217 with isoleucine.
Molecular consequence: missense variant.
Genome position (GRCh38, 1-based): chr12:57,490,366, C>T. VCF-style: chr12-57490366-C-T. GRCh37 (hg19) VCF-style: chr12-57884149-C-T.
Other names: short protein forms T217I.
Identifiers: ClinVar variation 1681696 (VCV001681696.12), dbSNP rs759101321, ClinGen allele CA6650231.
Genomic context (GRCh38, chr12:57,490,366, plus strand): 5'-CTCTCCGGCCTTACCTCCAAAAGCAGCCCCAGCCCAGCCCCGCTGAGGGAAGGGCTGTCA[C>T]CAATGAGCCTGAGGTTTGGAATAGGGCAGAGCCTTGGGGCCTGAGGTGGGAGGTGGCTAG-3'
Protein context (NP_004981.2, residues 207-227): QPSPAEGRAV[Thr217Ile]NEPEEEELAT

ClinVar aggregate classification (germline): Uncertain significance. Review status: criteria provided, multiple submitters, no conflicts (2 of 4 stars). 4 submissions from 4 submitters: Uncertain significance (4). Last evaluated 2026-04-22.

Conditions:
Charcot-Marie-Tooth disease axonal type 2U. Also called: CHARCOT-MARIE-TOOTH NEUROPATHY, TYPE 2U; CHARCOT-MARIE-TOOTH DISEASE, AXONAL, AUTOSOMAL DOMINANT, TYPE 2U. Identifiers: Orphanet 397735, MedGen C4084821, MONDO:0014566, OMIM 616280.
Severe early-onset pulmonary alveolar proteinosis due to MARS deficiency. Also called: Interstitial lung and liver disease; PULMONARY ALVEOLAR PROTEINOSIS, REUNION ISLAND. Identifiers: Orphanet 440427, MedGen C4225400, MONDO:0014206, OMIM 615486.
MARS1-related disorder. Also called: MARS1-related condition.

Allele frequency attached by ClinVar (database versions not stated): ExAC 0.00002; gnomAD exomes 0.00002; gnomAD 0.00004.
gnomAD v4.1: 82 of 1,612,424 alleles (0.0051%); highest among the groups gnomAD compares: Middle Eastern, 0.041%; no homozygotes.

Submissions (4):

PreventionGenetics, part of Exact Sciences
Classification: Uncertain significance for MARS1-related condition. Last evaluated: 2026-04-22. Review status: criteria provided, single submitter. Criteria: ACMG Guidelines, 2015. Collection method: clinical testing. Allele origin: germline.
Comment: The MARS1 c.650C>T variant is predicted to result in the amino acid substitution p.Thr217Ile. To our knowledge, this variant has not been reported in the literature. This variant is reported in 0.0031% of alleles in individuals of European (non-Finnish) descent in gnomAD. At this time, the clinical significance of this variant is uncertain due to the absence of conclusive functional and genetic evidence.

Labcorp Genetics (formerly Invitae), Labcorp
Classification: Uncertain significance for Charcot-Marie-Tooth disease axonal type 2U; Severe early-onset pulmonary alveolar proteinosis due to MARS deficiency. Last evaluated: 2025-06-15. Review status: criteria provided, single submitter. Criteria: Invitae Variant Classification Sherloc (09022015). Collection method: clinical testing. Allele origin: germline.
Comment: This sequence change replaces threonine, which is neutral and polar, with isoleucine, which is neutral and non-polar, at codon 217 of the MARS protein (p.Thr217Ile). This variant is present in population databases (rs759101321, gnomAD 0.004%). This variant has not been reported in the literature in individuals affected with MARS-related conditions. ClinVar contains an entry for this variant (Variation ID: 1681696). An algorithm developed to predict the effect of missense changes on protein structure and function (PolyPhen-2) suggests that this variant is likely to be tolerated. In summary, the available evidence is currently insufficient to determine the role of this variant in disease. Therefore, it has been classified as a Variant of Uncertain Significance.

Ambry Genetics
Classification: Uncertain significance. Last evaluated: 2022-02-11. Review status: criteria provided, single submitter. Criteria: Ambry Variant Classification Scheme 2023. Collection method: clinical testing. Allele origin: germline.
Comment: The p.T217I variant (also known as c.650C>T), located in coding exon 6 of the MARS gene, results from a C to T substitution at nucleotide position 650. The threonine at codon 217 is replaced by isoleucine, an amino acid with similar properties. This amino acid position is conserved. In addition, this alteration is predicted to be tolerated by in silico analysis. Since supporting evidence is limited at this time, the clinical significance of this alteration remains unclear.

Breakthrough Genomics
Classification: Uncertain significance. Review status: criteria provided, single submitter. Criteria: ACMG Guidelines, 2015. Collection method: not provided. Allele origin: germline. Inheritance: Autosomal recessive inheritance. Affected: yes.